The following is an entry in ClinVar:

NM_000038.6(APC):c.5524T>A (p.Ser1842Thr)

Gene: APC (APC regulator of Wnt signaling pathway; plus strand). Cytogenetic location: 5q22.2.
Variant type: single nucleotide variant.
Coding change: c.5524T>A on transcript NM_000038.6 (MANE Select); coding-DNA position 5524, T replaced by A.
Protein change: p.Ser1842Thr; replaces serine 1842 with threonine.
Molecular consequence: missense variant.
Genome position (GRCh38, 1-based): chr5:112,841,118, T>A. VCF-style: chr5-112841118-T-A. GRCh37 (hg19) VCF-style: chr5-112176815-T-A.
Other names: c.5524T>A, p.Ser1842Thr (NM_001127510.3, NM_001354895.2); c.5470T>A, p.Ser1824Thr (NM_001127511.3); c.5578T>A, p.Ser1860Thr (NM_001354896.2); c.5554T>A, p.Ser1852Thr (NM_001354897.2); c.5449T>A, p.Ser1817Thr (NM_001354898.2); c.5440T>A, p.Ser1814Thr (NM_001354899.2); c.5401T>A, p.Ser1801Thr (NM_001354900.2); c.5347T>A, p.Ser1783Thr (NM_001354901.2); and 5 more; short protein forms S1824T, S1842T, S1751T, S1783T, S1817T, S1682T, S1741T, S1801T.
Identifiers: ClinVar variation 232546 (VCV000232546.31), dbSNP rs754648125, ClinGen allele CA042221.
Genomic context (GRCh38, chr5:112,841,118, plus strand): 5'-GTCTTCAATGATAAGCTCCCAAATAATGAAGATAGAGTCAGAGGAAGTTTTGCTTTTGAT[T>A]CACCTCATCATTACACGCCTATTGAAGGAACTCCTTACTGTTTTTCACGAAATGATTCTT-3'
Protein context (NP_000029.2, residues 1832-1852): DRVRGSFAFD[Ser1842Thr]PHHYTPIEGT

ClinVar aggregate classification (germline): Conflicting classifications of pathogenicity. Review status: criteria provided, conflicting classifications (1 of 4 stars). 8 submissions from 8 submitters: Uncertain significance (5); Likely benign (2). 1 of the submissions does not count toward it. Last evaluated 2025-12-01.

Conditions:
Classic or attenuated familial adenomatous polyposis. Identifiers: MedGen CN372698, MONDO:0021057.
APC-related disorder. Also called: APC-related condition.
APC-Associated Polyposis Disorders.
Familial adenomatous polyposis 1 (FAP1). Also called: FAMILIAL ADENOMATOUS POLYPOSIS 1, ATTENUATED; POLYPOSIS, ADENOMATOUS INTESTINAL. Identifiers: MedGen C2713442, MONDO:0021056, OMIM 175100. Disease mechanism: loss of function.
Hereditary cancer-predisposing syndrome. Also called: Neoplastic Syndromes, Hereditary; Tumor predisposition; Hereditary Cancer Syndrome; Hereditary neoplastic syndrome. Identifiers: Orphanet 140162, MedGen C0027672, MeSH D009386, MONDO:0015356.

Allele frequency attached by ClinVar (database versions not stated): ExAC 0.00002; gnomAD exomes 0.00002 and 0.00005; TOPMed 0.00002.
gnomAD v4.1: 73 of 1,612,970 alleles (0.0045%); highest among the groups gnomAD compares: Non-Finnish European, 0.0061%; no homozygotes.

Submissions (8):

Labcorp Genetics (formerly Invitae), Labcorp
Classification: Uncertain significance for Familial adenomatous polyposis 1. Last evaluated: 2025-12-01. Review status: criteria provided, single submitter. Criteria: Invitae Variant Classification Sherloc (09022015). Collection method: clinical testing. Allele origin: germline.
Comment: This sequence change replaces serine, which is neutral and polar, with threonine, which is neutral and polar, at codon 1842 of the APC protein (p.Ser1842Thr). This variant is present in population databases (rs754648125, gnomAD 0.004%). This variant has not been reported in the literature in individuals affected with APC-related conditions. ClinVar contains an entry for this variant (Variation ID: 232546). Invitae Evidence Modeling of protein sequence and biophysical properties (such as structural, functional, and spatial information, amino acid conservation, physicochemical variation, residue mobility, and thermodynamic stability) indicates that this missense variant is not expected to disrupt APC protein function with a negative predictive value of 95%. In summary, the available evidence is currently insufficient to determine the role of this variant in disease. Therefore, it has been classified as a Variant of Uncertain Significance.

Color Diagnostics, LLC DBA Color Health
Classification: Likely benign for Hereditary cancer-predisposing syndrome. Last evaluated: 2025-05-21. Review status: criteria provided, single submitter. Criteria: ACMG Guidelines, 2015. Collection method: clinical testing. Allele origin: germline.

Quest Diagnostics Nichols Institute San Juan Capistrano
Classification: Uncertain significance. Last evaluated: 2025-02-05. Review status: criteria provided, single submitter. Criteria: Quest Diagnostics criteria. Collection method: clinical testing. Allele origin: unknown.
Comment: The APC c.5524T>A (p.Ser1842Thr) variant has been reported in the published literature in an individual with gastrointestinal-related cancer (PMID: 34326862 (2021)). The frequency of this variant in the general population (Genome Aggregation Database) is uninformative in the assessment of its pathogenicity. Analysis of this variant using bioinformatics tools for the prediction of the effect of amino acid changes on protein structure and function yielded predictions that this variant is damaging. Based on the available information, we are unable to determine the clinical significance of this variant.

GeneDx
Classification: Uncertain significance. Last evaluated: 2024-03-12. Review status: criteria provided, single submitter. Criteria: GeneDx Variant Classification Process June 2021. Collection method: clinical testing. Allele origin: germline. Affected: yes.
Comment: Not observed at significant frequency in large population cohorts (gnomAD); In silico analysis supports that this missense variant does not alter protein structure/function; Has not been previously published as pathogenic or benign to our knowledge; This variant is associated with the following publications: (PMID: 18199528)

All of Us Research Program, National Institutes of Health
Classification: Uncertain significance for Classic or attenuated familial adenomatous polyposis. Last evaluated: 2023-12-13. Review status: criteria provided, single submitter. Criteria: ACMG Guidelines, 2015. Collection method: clinical testing. Allele origin: germline. Inheritance: Autosomal dominant inheritance. Observed: 1 variant allele, 1 heterozygote.
Comment: This missense variant replaces serine with threonine at codon 1842 of the APC protein. Computational prediction suggests that this variant may not impact protein structure and function (internally defined REVEL score threshold <= 0.5, PMID: 27666373). To our knowledge, functional studies have not been reported for this variant. This variant has not been reported in individuals affected with APC-related disorders in the literature. This variant has been identified in 5/251048 chromosomes in the general population by the Genome Aggregation Database (gnomAD). The available evidence is insufficient to determine the role of this variant in disease conclusively. Therefore, this variant is classified as a Variant of Uncertain Significance.

This study involves interpretation of variants in research participants for the purpose of population health screening. Participant phenotype was not available at the time of variant classification. Additional details can be found in publication PMID: 35346344, PMCID: PMC8962531

Ambry Genetics
Classification: Likely benign for Hereditary cancer-predisposing syndrome. Last evaluated: 2021-07-28. Review status: criteria provided, single submitter. Criteria: Ambry Variant Classification Scheme 2023. Collection method: clinical testing. Allele origin: germline.

Illumina Laboratory Services, Illumina
Classification: Uncertain significance for APC-Associated Polyposis Disorders. Last evaluated: 2018-01-13. Review status: criteria provided, single submitter. Criteria: ICSL Variant Classification Criteria 13 December 2019. Collection method: clinical testing. Allele origin: germline.

PreventionGenetics, part of Exact Sciences
Classification: Uncertain significance for APC-related condition. Last evaluated: 2024-01-18. Review status: no assertion criteria provided. Collection method: clinical testing. Allele origin: germline. Not counted in ClinVar's aggregate classification.
Comment: The APC c.5524T>A variant is predicted to result in the amino acid substitution p.Ser1842Thr. To our knowledge, this variant has not been reported in the literature. This variant is reported in 0.0044% of alleles in individuals of European (Non-Finnish) descent in gnomAD. At this time, the clinical significance of this variant is uncertain due to the absence of conclusive functional and genetic evidence.

Literature cited by the submitters: PubMed 34326862 (cited by Quest Diagnostics Nichols Institute San Juan Capistrano).